The following is an entry in ClinVar:

NM_000238.4(KCNH2):c.3398C>T (p.Thr1133Ile)

Gene: KCNH2 (potassium voltage-gated channel subfamily H member 2; minus strand). Cytogenetic location: 7q36.1.
Variant type: single nucleotide variant.
Coding change: c.3398C>T on transcript NM_000238.4 (MANE Select); coding-DNA position 3398, C replaced by T.
Protein change: p.Thr1133Ile; replaces threonine 1133 with isoleucine.
Molecular consequence: missense variant. On other transcripts: non-coding transcript variant (2).
Genome position (GRCh38, 1-based): chr7:150,945,447, G>A on the plus strand (C>T on the coding strand, the complement: KCNH2 is on the minus strand). VCF-style: chr7-150945447-G-A. GRCh37 (hg19) VCF-style: chr7-150642535-G-A.
Other names: c.3110C>T, p.Thr1037Ile (NM_001406753.1); c.2378C>T, p.Thr793Ile (NM_172057.3); short protein forms T1037I, T793I, T1133I.
Identifiers: ClinVar variation 4733421 (VCV004733421.1).
Genomic context (GRCh38, chr7:150,945,447, plus strand): 5'-TGTCTGTGCAGGGGCTGGGAGGTGAGGGCCCCCAGCTGGCCCGGTAGGGAGAGGCGTCGT[G>A]TGGGGCCTTCTTGGGGAAGCTCTGGGGCCCCCGGGGGCAGCTCCTCACACGCCATGAACT-3'
Protein context (NP_000229.1, residues 1123-1143): GAPELPQEGP[Thr1133Ile]RRLSLPGQLG

ClinVar aggregate classification (germline): Uncertain significance (1 of 4 stars; one submission).

Conditions:
Long QT syndrome (LQTS). Identifiers: MedGen C0023976, MeSH D008133, MONDO:0002442. Disease mechanism: loss of function. Inheritance: Various modes of inheritance.

gnomAD v4.1: 1 of 1,566,278 alleles (0.000064%); highest among the groups gnomAD compares: South Asian, 0.0012%; no homozygotes.

Submission:

Labcorp Genetics (formerly Invitae), Labcorp
Classification: Uncertain significance for Long QT syndrome. Last evaluated: 2025-12-16. Review status: criteria provided, single submitter. Criteria: Invitae Variant Classification Sherloc (09022015). Collection method: clinical testing. Allele origin: germline.
Comment: This sequence change replaces threonine, which is neutral and polar, with isoleucine, which is neutral and non-polar, at codon 1133 of the KCNH2 protein (p.Thr1133Ile). This variant is not present in population databases (gnomAD no frequency). This variant has not been reported in the literature in individuals affected with KCNH2-related conditions. An algorithm developed to predict the effect of missense changes on protein structure and function (PolyPhen-2) suggests that this variant is likely to be tolerated. In summary, the available evidence is currently insufficient to determine the role of this variant in disease. Therefore, it has been classified as a Variant of Uncertain Significance.